The following is an entry in ClinVar:

ClinVar aggregate classification (germline): Pathogenic. Review status: reviewed by expert panel (3 of 4 stars). 9 submissions from 9 submitters: Pathogenic (1). 8 of the submissions do not count toward it. Last evaluated 2016-10-18.

Conditions:
Breast-ovarian cancer, familial, susceptibility to, 2 (BROVCA2). Also called: BRCA2 Hereditary Breast and Ovarian Cancer. Identifiers: Orphanet 145, MedGen C2675520, MONDO:0012933, OMIM 612555. Disease mechanism: loss of function.
Hereditary breast ovarian cancer syndrome. Also called: BRCA1- and BRCA2-Associated Hereditary Breast and Ovarian Cancer; Hereditary breast and ovarian cancer; Hereditary breast and ovarian cancer syndrome (HBOC); Breast and ovarian cancer; Hereditary breast and/or ovarian cancer syndrome; Hereditary breast and ovarian cancer syndrome. Identifiers: Orphanet 145, MedGen C0677776, MeSH D061325, MONDO:0003582. Disease mechanism: loss of function.
Gastric cancer. Also called: Malignant tumor of stomach; Stomach cancer. Identifiers: MedGen C0024623, MeSH D013274, MONDO:0001056, OMIM 613659, HP:0012126.
Fanconi anemia complementation group D1. Also called: BRCA2-Related Fanconi Anemia. Identifiers: Orphanet 319462, MedGen C1838457, MONDO:0011584, OMIM 605724.
Hereditary cancer-predisposing syndrome. Also called: Hereditary Cancer Syndrome; Tumor predisposition; Hereditary neoplastic syndrome; Neoplastic Syndromes, Hereditary. Identifiers: Orphanet 140162, MedGen C0027672, MeSH D009386, MONDO:0015356.

Submissions (9):

Evidence-based Network for the Interpretation of Germline Mutant Alleles (ENIGMA)
Classification: Pathogenic for Breast-ovarian cancer, familial, susceptibility to, 2. Last evaluated: 2016-10-18. Review status: reviewed by expert panel. Criteria: ENIGMA BRCA1/2 Classification Criteria (2015). Collection method: curation. Allele origin: germline.
Comment: Variant allele predicted to encode a truncated non-functional protein.

Ambry Genetics
Classification: Pathogenic for Hereditary cancer-predisposing syndrome. Last evaluated: 2026-07-10. Review status: criteria provided, single submitter. Criteria: Ambry Variant Classification Scheme 2023. Collection method: clinical testing. Allele origin: germline. Not counted in ClinVar's aggregate classification.
Comment: The c.805dupA pathogenic mutation, located in coding exon 9 of the BRCA2 gene, results from a duplication of A at nucleotide position 805, causing a translational frameshift with a predicted alternate stop codon (p.T269Nfs*7). This variant is considered to be rare based on population cohorts in the Genome Aggregation Database (gnomAD). This alteration is expected to result in loss of function by premature protein truncation or nonsense-mediated mRNA decay. As such, this alteration is interpreted as a disease-causing mutation.

Center for Genomic Medicine, Rigshospitalet, Copenhagen University Hospital
Classification: Pathogenic. Last evaluated: 2025-03-04. Review status: criteria provided, single submitter. Criteria: ACMG Guidelines, 2015. Collection method: clinical testing. Allele origin: germline. Not counted in ClinVar's aggregate classification.

Labcorp Genetics (formerly Invitae), Labcorp
Classification: Pathogenic for Hereditary breast ovarian cancer syndrome. Last evaluated: 2023-09-08. Review status: criteria provided, single submitter. Criteria: Invitae Variant Classification Sherloc (09022015). Collection method: clinical testing. Allele origin: germline. Not counted in ClinVar's aggregate classification.
Comment: This sequence change creates a premature translational stop signal (p.Thr269Asnfs*7) in the BRCA2 gene. It is expected to result in an absent or disrupted protein product. Loss-of-function variants in BRCA2 are known to be pathogenic (PMID: 20104584). This variant is not present in population databases (gnomAD no frequency). This premature translational stop signal has been observed in individual(s) with breast and/or ovarian cancer (PMID: 29176636, 30287823). ClinVar contains an entry for this variant (Variation ID: 267053). For these reasons, this variant has been classified as Pathogenic.

Research Institute, Aichi Cancer Center
Classification: Pathogenic for Hereditary breast ovarian cancer syndrome. Last evaluated: 2022-02-01. Review status: criteria provided, single submitter. Criteria: ACMG Guidelines, 2015. Collection method: research. Allele origin: germline. Affected: yes. Observed: 1 variant allele. Not counted in ClinVar's aggregate classification.

Institute of Human Genetics, Heidelberg University
Classification: Pathogenic for Breast-ovarian cancer, familial, susceptibility to, 2; Fanconi anemia complementation group D1. Last evaluated: 2021-07-01. Review status: criteria provided, single submitter. Criteria: ACMG Guidelines, 2015. Collection method: clinical testing. Allele origin: paternal. Not counted in ClinVar's aggregate classification.
Comment: secondary finding

Consortium of Investigators of Modifiers of BRCA1/2 (CIMBA), c/o University of Cambridge
Classification: Pathogenic for Breast-ovarian cancer, familial, susceptibility to, 2. Last evaluated: 2015-10-02. Review status: criteria provided, single submitter. Criteria: CIMBA Mutation Classification guidelines May 2016. Collection method: clinical testing. Allele origin: germline. Not counted in ClinVar's aggregate classification.

Laboratory for Genotyping Development, RIKEN
Classification: Pathogenic for Gastric cancer. Last evaluated: 2021-07-01. Review status: no assertion criteria provided. Collection method: research. Allele origin: germline. Not counted in ClinVar's aggregate classification.

BRCAlab, Lund University
Classification: Pathogenic for Breast-ovarian cancer, familial, susceptibility to, 2. Last evaluated: 2020-03-02. Review status: no assertion criteria provided. Collection method: clinical testing. Allele origin: germline. Affected: yes. Not counted in ClinVar's aggregate classification.

Literature cited by the submitters: PubMed 33037391 (cited by Center for Genomic Medicine, Rigshospitalet, Copenhagen University Hospital); PubMed 30287823 (cited by Center for Genomic Medicine, Rigshospitalet, Copenhagen University Hospital and Labcorp Genetics (formerly Invitae), Labcorp); PubMed 20104584 (cited by Labcorp Genetics (formerly Invitae), Labcorp); PubMed 29176636 (cited by Labcorp Genetics (formerly Invitae), Labcorp); PubMed 36988593 (cited by Laboratory for Genotyping Development, RIKEN).

NM_000059.4(BRCA2):c.805dup (p.Thr269fs)

Gene: BRCA2 (BRCA2 DNA repair associated; plus strand). Cytogenetic location: 13q13.1.
Variant type: Duplication.
Coding change: c.805dup on transcript NM_000059.4 (MANE Select); coding-DNA position 805, one base duplicated (A; older notation c.805dupA).
Protein change: p.Thr269fs; shifts the reading frame from threonine 269.
Molecular consequence: frameshift variant.
Genome position (GRCh38, 1-based): chr13:32,332,283, A duplicated; the last of 5 consecutive A bases (chr13:32,332,279-32,332,283); duplicating any one gives the same sequence. VCF-style (leftmost placement, unchanged base first): chr13-32332278-G-GA. GRCh37 (hg19) VCF-style: chr13-32906415-G-GA.
Other names: 1033insA; c.805dupA (NM_000059.3); short protein forms T269fs.
Identifiers: ClinVar variation 267053 (VCV000267053.29), dbSNP rs886040744, ClinGen allele CA10589053.